The following is an entry in ClinVar:

ClinVar aggregate classification (germline): Conflicting classifications of pathogenicity. Review status: criteria provided, conflicting classifications (1 of 4 stars). 3 submissions from 3 submitters: Uncertain significance (1); Likely benign (2). Last evaluated 2025-07-16.

Conditions:
Hereditary cancer-predisposing syndrome. Also called: Tumor predisposition; Hereditary neoplastic syndrome; Neoplastic Syndromes, Hereditary; Hereditary Cancer Syndrome. Identifiers: Orphanet 140162, MedGen C0027672, MeSH D009386, MONDO:0015356.
Hereditary breast ovarian cancer syndrome. Also called: BRCA1- and BRCA2-Associated Hereditary Breast and Ovarian Cancer; Hereditary breast and ovarian cancer; Hereditary breast and/or ovarian cancer syndrome; Hereditary breast and ovarian cancer syndrome; Hereditary breast and ovarian cancer syndrome (HBOC); Breast and ovarian cancer. Identifiers: Orphanet 145, MedGen C0677776, MeSH D061325, MONDO:0003582. Disease mechanism: loss of function.

Submissions (3):

Ambry Genetics
Classification: Likely benign for Hereditary cancer-predisposing syndrome. Last evaluated: 2025-07-16. Review status: criteria provided, single submitter. Criteria: Ambry Variant Classification Scheme 2023. Collection method: clinical testing. Allele origin: germline.

Labcorp Genetics (formerly Invitae), Labcorp
Classification: Uncertain significance for Hereditary breast ovarian cancer syndrome. Last evaluated: 2025-01-23. Review status: criteria provided, single submitter. Criteria: Invitae Variant Classification Sherloc (09022015). Collection method: clinical testing. Allele origin: germline.
Comment: This sequence change replaces cysteine, which is neutral and slightly polar, with phenylalanine, which is neutral and non-polar, at codon 480 of the BRCA2 protein (p.Cys480Phe). This variant is not present in population databases (gnomAD no frequency). This variant has not been reported in the literature in individuals affected with BRCA2-related conditions. ClinVar contains an entry for this variant (Variation ID: 1361664). Invitae Evidence Modeling of protein sequence and biophysical properties (such as structural, functional, and spatial information, amino acid conservation, physicochemical variation, residue mobility, and thermodynamic stability) indicates that this missense variant is not expected to disrupt BRCA2 protein function with a negative predictive value of 95%. In summary, the available evidence is currently insufficient to determine the role of this variant in disease. Therefore, it has been classified as a Variant of Uncertain Significance.

University of Washington Department of Laboratory Medicine, University of Washington
Classification: Likely benign for Hereditary cancer-predisposing syndrome. Last evaluated: 2023-03-23. Review status: criteria provided, single submitter. Criteria: Dines et al. (Genet Med. 2020). Collection method: curation. Allele origin: germline.
Comment: Missense variant in a coldspot region where missense variants are very unlikely to be pathogenic (PMID:31911673).

BRCA2 exon 10 coldspot. Reclassification based on statistical prior probability.

NM_000059.4(BRCA2):c.1439G>T (p.Cys480Phe)

Gene: BRCA2 (BRCA2 DNA repair associated; plus strand). Cytogenetic location: 13q13.1.
Variant type: single nucleotide variant.
Coding change: c.1439G>T on transcript NM_000059.4 (MANE Select); coding-DNA position 1439, G replaced by T.
Protein change: p.Cys480Phe; replaces cysteine 480 with phenylalanine.
Molecular consequence: missense variant.
Genome position (GRCh38, 1-based): chr13:32,332,917, G>T. VCF-style: chr13-32332917-G-T. GRCh37 (hg19) VCF-style: chr13-32907054-G-T.
Other names: c.1439G>T (NM_000059.3); short protein forms C480F.
Identifiers: ClinVar variation 1361664 (VCV001361664.10), dbSNP rs587782648, ClinGen allele CA387764295.